The following is an entry in ClinVar:

ClinVar aggregate classification (germline): Likely benign. Review status: criteria provided, multiple submitters, no conflicts (2 of 4 stars). 2 submissions from 2 submitters: Likely benign (2). Last evaluated 2025-04-28.

Conditions:
COL18A1-related disorder. Also called: COL18A1-related disorders; COL18A1-related condition.

Allele frequency attached by ClinVar (database versions not stated): gnomAD 0.00003; ESP Exome Variant Server 0.00008.
gnomAD v4.1: 78 of 1,612,892 alleles (0.0048%); highest among the groups gnomAD compares: Non-Finnish European, 0.0061%; no homozygotes.

Submissions (2):

Labcorp Genetics (formerly Invitae), Labcorp
Classification: Likely benign. Last evaluated: 2025-04-28. Review status: criteria provided, single submitter. Criteria: Invitae Variant Classification Sherloc (09022015). Collection method: clinical testing. Allele origin: germline.

PreventionGenetics, part of Exact Sciences
Classification: Likely benign for COL18A1-related condition. Last evaluated: 2025-04-14. Review status: criteria provided, single submitter. Criteria: ACMG Guidelines, 2015. Collection method: clinical testing. Allele origin: germline.
Comment: This variant is classified as likely benign based on ACMG/AMP sequence variant interpretation guidelines (Richards et al. 2015 PMID: 25741868, with internal and published modifications).

NM_001379500.1(COL18A1):c.3216+7G>A

Genes: COL18A1 (collagen type XVIII alpha 1 chain; plus strand), SLC19A1 (solute carrier family 19 member 1; minus strand). Cytogenetic location: 21q22.3.
Variant type: single nucleotide variant.
Coding change: c.3216+7G>A on transcript NM_001379500.1 (MANE Select); 7 bases into the intron after coding-DNA position 3216, G replaced by A.
Molecular consequence: intron variant.
Genome position (GRCh38, 1-based): chr21:45,505,973, G>A. VCF-style: chr21-45505973-G-A. GRCh37 (hg19) VCF-style: chr21-46925887-G-A.
Other names: c.4461+7G>A (NM_130444.3); c.3756+7G>A (NM_030582.4); c.3747+7G>A (NM_030582.3).
Identifiers: ClinVar variation 1631384 (VCV001631384.11), dbSNP rs370117658, ClinGen allele CA10067756.
Genomic context (GRCh38, chr21:45,505,973, plus strand): 5'-GCCGAGCAGGAGGAGCTCTACGTCCGCGTGCAGAACGGGTTCCGGAAGGTCCAGGTGAGC[G>A]CTCTGTGTGACGGGTTCTGGACCCGTGGAAGGGCCGAAGCCGCCTCCTGGGGCTTAAGGA-3'